The following is an entry in ClinVar:

NM_001127222.2(CACNA1A):c.4741G>A (p.Val1581Met)

Gene: CACNA1A (calcium voltage-gated channel subunit alpha1 A; minus strand). Cytogenetic location: 19p13.13.
Variant type: single nucleotide variant.
Coding change: c.4741G>A on transcript NM_001127222.2 (MANE Select); coding-DNA position 4741, G replaced by A.
Protein change: p.Val1581Met; replaces valine 1581 with methionine.
Molecular consequence: missense variant.
Genome position (GRCh38, 1-based): chr19:13,255,109, C>T on the plus strand (G>A on the coding strand, the complement: CACNA1A is on the minus strand). VCF-style: chr19-13255109-C-T. GRCh37 (hg19) VCF-style: chr19-13365923-C-T.
Other names: c.4753G>A, p.Val1585Met (NM_000068.4, NM_023035.3); c.4744G>A, p.Val1582Met (NM_001127221.2, NM_001174080.2); c.4741G>A (NM_001127222.1); short protein forms V1581M, V1582M, V1585M.
Identifiers: ClinVar variation 3252891 (VCV003252891.2), dbSNP rs2512728337.

ClinVar aggregate classification (germline): Uncertain significance. Review status: criteria provided, multiple submitters, no conflicts (2 of 4 stars). 2 submissions from 2 submitters: Uncertain significance (2). Last evaluated 2024-12-16.

Conditions:
CACNA1A-related disorder. Also called: CACNA1A-related condition.

Submissions (2):

PreventionGenetics, part of Exact Sciences
Classification: Uncertain significance for CACNA1A-related condition. Last evaluated: 2024-12-16. Review status: criteria provided, single submitter. Criteria: ACMG Guidelines, 2015. Collection method: clinical testing. Allele origin: germline.
Comment: The CACNA1A c.4741G>A variant is predicted to result in the amino acid substitution p.Val1581Met. To our knowledge, this variant has not been reported in the literature or in a large population database (gnomAD), indicating this variant is rare. At this time, the clinical significance of this variant is uncertain due to the absence of conclusive functional and genetic evidence.

GeneDx
Classification: Uncertain significance. Last evaluated: 2024-01-22. Review status: criteria provided, single submitter. Criteria: GeneDx Variant Classification Process June 2021. Collection method: clinical testing. Allele origin: germline. Affected: yes.
Comment: Has not been previously published as pathogenic or benign to our knowledge; In silico analysis supports that this missense variant has a deleterious effect on protein structure/function; Not observed at significant frequency in large population cohorts (gnomAD)